The following is an entry in ClinVar:

ClinVar aggregate classification (germline): Pathogenic (1 of 4 stars; one submission).

Conditions:
Tumor predisposition syndrome 3 (TPDS3). Also called: Glioma susceptibility 9; LONG TELOMERE SYNDROME, POT1-RELATED; POT1 Tumor Predisposition; Melanoma, cutaneous malignant, susceptibility to, 10. Identifiers: Orphanet 618, MedGen C4014476, MONDO:0014368, OMIM 615848.

Submission:

Labcorp Genetics (formerly Invitae), Labcorp
Classification: Pathogenic for Tumor predisposition syndrome 3. Last evaluated: 2023-11-18. Review status: criteria provided, single submitter. Criteria: Invitae Variant Classification Sherloc (09022015). Collection method: clinical testing. Allele origin: germline.
Comment: This sequence change creates a premature translational stop signal (p.Tyr43*) in the POT1 gene. It is expected to result in an absent or disrupted protein product. Loss-of-function variants in POT1 are known to be pathogenic (PMID: 32155570). This variant is not present in population databases (gnomAD no frequency). This variant has not been reported in the literature in individuals affected with POT1-related conditions. For these reasons, this variant has been classified as Pathogenic.

Literature cited by the submitters: PubMed 32155570.

NM_015450.3(POT1):c.129T>A (p.Tyr43Ter)

Gene: POT1 (protection of telomeres 1; minus strand). Cytogenetic location: 7q31.33.
Variant type: single nucleotide variant.
Coding change: c.129T>A on transcript NM_015450.3 (MANE Select); coding-DNA position 129, T replaced by A.
Protein change: p.Tyr43Ter; replaces tyrosine 43 with a stop codon.
Molecular consequence: nonsense. On other transcripts: non-coding transcript variant (3), intron variant (1).
Genome position (GRCh38, 1-based): chr7:124,871,037, A>T on the plus strand (T>A on the coding strand, the complement: POT1 is on the minus strand). VCF-style: chr7-124871037-A-T. GRCh37 (hg19) VCF-style: chr7-124511091-A-T.
Other names: c.-138-7397T>A (NM_001042594.2); short protein forms Y43*.
Identifiers: ClinVar variation 2696964 (VCV002696964.3), dbSNP rs2485505371, ClinGen allele CA369061727.